The following is an entry in ClinVar:

ClinVar aggregate classification (germline): Pathogenic (1 of 4 stars; one submission).

Conditions:
Hereditary cancer-predisposing syndrome. Also called: Neoplastic Syndromes, Hereditary; Tumor predisposition; Hereditary neoplastic syndrome; Hereditary Cancer Syndrome. Identifiers: Orphanet 140162, MedGen C0027672, MeSH D009386, MONDO:0015356.

Allele frequency attached by ClinVar (database versions not stated): gnomAD exomes below 0.00001.
gnomAD v4.1: 1 of 1,613,832 alleles (0.000062%); highest among the groups gnomAD compares: Non-Finnish European, 0.000085%; no homozygotes.

Submission:

Labcorp Genetics (formerly Invitae), Labcorp
Classification: Pathogenic for Hereditary cancer-predisposing syndrome. Last evaluated: 2022-12-13. Review status: criteria provided, single submitter. Criteria: Invitae Variant Classification Sherloc (09022015). Collection method: clinical testing. Allele origin: germline.
Comment: For these reasons, this variant has been classified as Pathogenic. ClinVar contains an entry for this variant (Variation ID: 578799). This variant has not been reported in the literature in individuals affected with RAD50-related conditions. This variant is not present in population databases (gnomAD no frequency). This sequence change creates a premature translational stop signal (p.Ser369*) in the RAD50 gene. It is expected to result in an absent or disrupted protein product. Loss-of-function variants in RAD50 are known to be pathogenic (PMID: 19409520).

Literature cited by the submitters: PubMed 19409520.

NM_005732.4(RAD50):c.1106C>G (p.Ser369Ter)

Gene: RAD50 (RAD50 double strand break repair protein; plus strand). Cytogenetic location: 5q31.1.
Variant type: single nucleotide variant.
Coding change: c.1106C>G on transcript NM_005732.4 (MANE Select); coding-DNA position 1106, C replaced by G.
Protein change: p.Ser369Ter; replaces serine 369 with a stop codon.
Molecular consequence: nonsense.
Genome position (GRCh38, 1-based): chr5:132,588,741, C>G. VCF-style: chr5-132588741-C-G. GRCh37 (hg19) VCF-style: chr5-131924433-C-G.
Other names: short protein forms S369*.
Identifiers: ClinVar variation 578799 (VCV000578799.10), dbSNP rs947142407, ClinGen allele CA360942356.